The following is an entry in ClinVar:

ClinVar aggregate classification (germline): Likely benign (1 of 4 stars; one submission).

Conditions:
Familial thoracic aortic aneurysm and aortic dissection (TAAD). Also called: Thoracic aortic aneurysms and dissections. Identifiers: Orphanet 91387, MedGen C4707243, MONDO:0019625.

Submission:

All of Us Research Program, National Institutes of Health
Classification: Likely benign for Familial thoracic aortic aneurysm and aortic dissection. Last evaluated: 2024-06-17. Review status: criteria provided, single submitter. Criteria: ACMG Guidelines, 2015. Collection method: clinical testing. Allele origin: germline. Inheritance: Autosomal dominant inheritance. Observed: 1 variant allele, 1 heterozygote.
Comment: This study involves interpretation of variants in research participants for the purpose of population health screening. Participant phenotype was not available at the time of variant classification. Additional details can be found in publication PMID: 35346344, PMCID: PMC8962531

NM_002474.3(MYH11):c.4335C>T (p.Asn1445=)

Genes: MYH11 (myosin heavy chain 11; minus strand), NDE1 (nudE neurodevelopment protein 1; plus strand). Cytogenetic location: 16p13.11.
Variant type: single nucleotide variant.
Coding change: c.4335C>T on transcript NM_002474.3 (MANE Select); coding-DNA position 4335, C replaced by T.
Protein change: p.Asn1445=; no amino-acid change (asparagine 1445 retained).
Molecular consequence: synonymous variant.
Genome position (GRCh38, 1-based): chr16:15,724,191, G>A on the plus strand (C>T on the coding strand, the complement: MYH11 is on the minus strand). VCF-style: chr16-15724191-G-A. GRCh37 (hg19) VCF-style: chr16-15818048-G-A.
Other names: c.4356C>T, p.Asn1452= (NM_001040113.2, NM_001040114.2); c.4335C>T, p.Asn1445= (NM_022844.3); c.948G>A, p.Gly316= (NM_001143979.2, NM_017668.3).
Identifiers: ClinVar variation 3387181 (VCV003387181.1).